The following is an entry in ClinVar:

ClinVar aggregate classification (germline): Uncertain significance (1 of 4 stars; one submission).

Conditions:
Coffin-Siris syndrome 10. Also called: INTELLECTUAL DEVELOPMENTAL DISORDER WITH SPEECH DELAY AND DYSMORPHIC FACIES. Identifiers: MedGen C4760583, MONDO:0032791, OMIM 618506.

Submission:

Human Genetics Bochum, Ruhr University Bochum
Classification: Uncertain significance for Coffin-Siris syndrome 10. Last evaluated: 2023-03-14. Review status: criteria provided, single submitter. Criteria: ACMG Guidelines, 2015. Collection method: clinical testing. Allele origin: germline. Affected: yes.
Comment: ACMG criteria used to clasify this variant: PM4, PM2_SUP

NM_003107.3(SOX4):c.965delinsAGGG (p.Leu322delinsGlnGly)

Genes: SOX4 (SRY-box transcription factor 4; plus strand), LOC129995966 (ATAC-STARR-seq lymphoblastoid silent region 16986; plus strand). Cytogenetic location: 6p22.3.
Variant type: Indel.
Coding change: c.965delinsAGGG on transcript NM_003107.3 (MANE Select); coding-DNA position 965, T replaced by AGGG.
Protein change: p.Leu322delinsGlnGly.
Molecular consequence: inframe indel.
Genome position (GRCh38, 1-based): chr6:21,595,499, T replaced by AGGG. VCF-style: chr6-21595499-T-AGGG. GRCh37 (hg19) VCF-style: chr6-21595730-T-AGGG.
Identifiers: ClinVar variation 2583138 (VCV002583138.1), dbSNP rs2532641111, ClinGen allele CA2582341688.